The following is an entry in ClinVar:

ClinVar aggregate classification (germline): Uncertain significance (1 of 4 stars; one submission).

Conditions:
RASopathy. Also called: rasopathies; Noonan spectrum disorder. Identifiers: Orphanet 536391, MedGen C5555857, MONDO:0021060.

Submission:

Labcorp Genetics (formerly Invitae), Labcorp
Classification: Uncertain significance for RASopathy. Last evaluated: 2023-12-27. Review status: criteria provided, single submitter. Criteria: Invitae Variant Classification Sherloc (09022015). Collection method: clinical testing. Allele origin: germline.
Comment: This sequence change replaces serine, which is neutral and polar, with alanine, which is neutral and non-polar, at codon 430 of the BRAF protein (p.Ser430Ala). This variant is not present in population databases (gnomAD no frequency). This variant has not been reported in the literature in individuals affected with BRAF-related conditions. Advanced modeling of protein sequence and biophysical properties (such as structural, functional, and spatial information, amino acid conservation, physicochemical variation, residue mobility, and thermodynamic stability) performed at Invitae indicates that this missense variant is not expected to disrupt BRAF protein function with a negative predictive value of 80%. In summary, the available evidence is currently insufficient to determine the role of this variant in disease. Therefore, it has been classified as a Variant of Uncertain Significance.

NM_004333.6(BRAF):c.1288T>G (p.Ser430Ala)

Gene: BRAF (B-Raf proto-oncogene, serine/threonine kinase; minus strand). Cytogenetic location: 7q34.
Variant type: single nucleotide variant.
Coding change: c.1288T>G on transcript NM_004333.6 (MANE Select); coding-DNA position 1288, T replaced by G.
Protein change: p.Ser430Ala; replaces serine 430 with alanine.
Molecular consequence: missense variant.
Genome position (GRCh38, 1-based): chr7:140,783,047, A>C on the plus strand (T>G on the coding strand, the complement: BRAF is on the minus strand). VCF-style: chr7-140783047-A-C. GRCh37 (hg19) VCF-style: chr7-140482847-A-C.
Other names: c.1288T>G, p.Ser430Ala (NM_001354609.2, NM_001378468.1, NM_001378474.1); c.1408T>G, p.Ser470Ala (NM_001374244.1, NM_001374258.1); c.1297T>G, p.Ser433Ala (NM_001378467.1); c.1222T>G, p.Ser408Ala (NM_001378469.1); c.1186T>G, p.Ser396Ala (NM_001378470.1); c.1177T>G, p.Ser393Ala (NM_001378471.1); c.1132T>G, p.Ser378Ala (NM_001378472.1, NM_001378473.1); c.1024T>G, p.Ser342Ala (NM_001378475.1); short protein forms S396A, S408A, S430A, S378A, S393A, S470A, S342A, S433A.
Identifiers: ClinVar variation 2767238 (VCV002767238.3), dbSNP rs2536185394, ClinGen allele CA369589339.
Genomic context (GRCh38, chr7:140,783,047, plus strand): 5'-AATTCAGAGAAAAAAAGATATCATATACTCTTACCATTCGATTCCTGTCTTCTGAGGATG[A>C]AGATGACTTCCTTTCTCGCTGAGGTCCTGGAGATTTCTGTAAGGCTTTCACGTTAGTTAG-3'
Protein context (NP_004324.2, residues 420-440): PGPQRERKSS[Ser430Ala]SSEDRNRMKT